The following is an entry in ClinVar:

ClinVar aggregate classification (germline): Uncertain significance (1 of 4 stars; one submission).

Submission:

Labcorp Genetics (formerly Invitae), Labcorp
Classification: Uncertain significance. Last evaluated: 2022-07-27. Review status: criteria provided, single submitter. Criteria: Invitae Variant Classification Sherloc (09022015). Collection method: clinical testing. Allele origin: germline.
Comment: This variant is not present in population databases (gnomAD no frequency). In summary, the available evidence is currently insufficient to determine the role of this variant in disease. Therefore, it has been classified as a Variant of Uncertain Significance. Algorithms developed to predict the effect of missense changes on protein structure and function are either unavailable or do not agree on the potential impact of this missense change (SIFT: "Not Available"; PolyPhen-2: "Possibly Damaging"; Align-GVGD: "Not Available"). This variant has not been reported in the literature in individuals affected with ADAMTS17-related conditions. This sequence change replaces serine, which is neutral and polar, with arginine, which is basic and polar, at codon 553 of the ADAMTS17 protein (p.Ser553Arg).

NM_139057.4(ADAMTS17):c.1657A>C (p.Ser553Arg)

Gene: ADAMTS17 (ADAM metallopeptidase with thrombospondin type 1 motif 17; minus strand). Cytogenetic location: 15q26.3.
Variant type: single nucleotide variant.
Coding change: c.1657A>C on transcript NM_139057.4 (MANE Select); coding-DNA position 1657, A replaced by C.
Protein change: p.Ser553Arg; replaces serine 553 with arginine.
Molecular consequence: missense variant.
Genome position (GRCh38, 1-based): chr15:100,132,071, T>G on the plus strand (A>C on the coding strand, the complement: ADAMTS17 is on the minus strand). VCF-style: chr15-100132071-T-G. GRCh37 (hg19) VCF-style: chr15-100672276-T-G.
Other names: short protein forms S553R.
Identifiers: ClinVar variation 1713946 (VCV001713946.5), dbSNP rs2038077215, ClinGen allele CA393933615.